The following is an entry in ClinVar:

NM_000179.3(MSH6):c.1360G>A (p.Gly454Ser)

Gene: MSH6 (mutS homolog 6; plus strand). Cytogenetic location: 2p16.3.
Variant type: single nucleotide variant.
Coding change: c.1360G>A on transcript NM_000179.3 (MANE Select); coding-DNA position 1360, G replaced by A.
Protein change: p.Gly454Ser; replaces glycine 454 with serine.
Molecular consequence: missense variant.
Genome position (GRCh38, 1-based): chr2:47,799,343, G>A. VCF-style: chr2-47799343-G-A. GRCh37 (hg19) VCF-style: chr2-48026482-G-A.
Other names: c.970G>A, p.Gly324Ser (NM_001281492.2); c.454G>A, p.Gly152Ser (NM_001281493.2, NM_001281494.2); short protein forms G152S, G324S, G454S.
Identifiers: ClinVar variation 819006 (VCV000819006.13), dbSNP rs1572722703, ClinGen allele CA346744754.

ClinVar aggregate classification (germline): Uncertain significance. Review status: criteria provided, multiple submitters, no conflicts (2 of 4 stars). 4 submissions from 4 submitters: Uncertain significance (4). Last evaluated 2024-07-23.

Conditions:
Hereditary nonpolyposis colorectal neoplasms. Identifiers: MedGen C0009405, MeSH D003123.
Hereditary cancer-predisposing syndrome. Also called: Tumor predisposition; Hereditary neoplastic syndrome; Neoplastic Syndromes, Hereditary; Hereditary Cancer Syndrome. Identifiers: Orphanet 140162, MedGen C0027672, MeSH D009386, MONDO:0015356.

Submissions (4):

Ambry Genetics
Classification: Uncertain significance for Hereditary cancer-predisposing syndrome. Last evaluated: 2024-07-23. Review status: criteria provided, single submitter. Criteria: Ambry Variant Classification Scheme 2023. Collection method: clinical testing. Allele origin: germline.
Comment: The p.G454S variant (also known as c.1360G>A), located in coding exon 4 of the MSH6 gene, results from a G to A substitution at nucleotide position 1360. The glycine at codon 454 is replaced by serine, an amino acid with similar properties. This amino acid position is highly conserved in available vertebrate species. In addition, this alteration is predicted to be deleterious by in silico analysis. Since supporting evidence is limited at this time, the clinical significance of this alteration remains unclear.

Labcorp Genetics (formerly Invitae), Labcorp
Classification: Uncertain significance for Hereditary nonpolyposis colorectal neoplasms. Last evaluated: 2024-03-17. Review status: criteria provided, single submitter. Criteria: Invitae Variant Classification Sherloc (09022015). Collection method: clinical testing. Allele origin: germline.
Comment: This sequence change replaces glycine, which is neutral and non-polar, with serine, which is neutral and polar, at codon 454 of the MSH6 protein (p.Gly454Ser). This variant is not present in population databases (gnomAD no frequency). This variant has not been reported in the literature in individuals affected with MSH6-related conditions. ClinVar contains an entry for this variant (Variation ID: 819006). Advanced modeling of protein sequence and biophysical properties (such as structural, functional, and spatial information, amino acid conservation, physicochemical variation, residue mobility, and thermodynamic stability) performed at Invitae indicates that this missense variant is not expected to disrupt MSH6 protein function with a negative predictive value of 95%. In summary, the available evidence is currently insufficient to determine the role of this variant in disease. Therefore, it has been classified as a Variant of Uncertain Significance.

Color Diagnostics, LLC DBA Color Health
Classification: Uncertain significance for Hereditary cancer-predisposing syndrome. Last evaluated: 2024-03-07. Review status: criteria provided, single submitter. Criteria: ACMG Guidelines, 2015. Collection method: clinical testing. Allele origin: germline.
Comment: This missense variant replaces glycine with serine at codon 454 of the MSH6 protein. Computational prediction suggests that this variant may have deleterious impact on protein structure and function (internally defined REVEL score threshold >= 0.7, PMID: 27666373). To our knowledge, functional studies have not been reported for this variant. This variant has not been reported in individuals affected with hereditary cancer in the literature. This variant has not been identified in the general population by the Genome Aggregation Database (gnomAD). The available evidence is insufficient to determine the role of this variant in disease conclusively. Therefore, this variant is classified as a Variant of Uncertain Significance.

GeneDx
Classification: Uncertain significance. Last evaluated: 2023-06-02. Review status: criteria provided, single submitter. Criteria: GeneDx Variant Classification Process June 2021. Collection method: clinical testing. Allele origin: germline. Affected: yes.
Comment: Not observed at significant frequency in large population cohorts (gnomAD); In silico analysis supports that this missense variant has a deleterious effect on protein structure/function; Has not been previously published as pathogenic or benign to our knowledge; This variant is associated with the following publications: (PMID: 17531815, 21120944)